The following is an entry in ClinVar:

NM_018911.3(PCDHA8):c.780A>G (p.Thr260=)

Genes: PCDHA1 (protocadherin alpha 1; plus strand), PCDHA2 (protocadherin alpha 2; plus strand), PCDHA3 (protocadherin alpha 3; plus strand), PCDHA4 (protocadherin alpha 4; plus strand), PCDHA5 (protocadherin alpha 5; plus strand) and 4 more. Cytogenetic location: 5q31.3.
Variant type: single nucleotide variant.
Coding change: c.780A>G on transcript NM_018911.3 (MANE Select); coding-DNA position 780, A replaced by G.
Protein change: p.Thr260=; no amino-acid change (threonine 260 retained).
Molecular consequence: synonymous variant. On other transcripts: intron variant (9).
Genome position (GRCh38, 1-based): chr5:140,842,101, A>G. VCF-style: chr5-140842101-A-G. GRCh37 (hg19) VCF-style: chr5-140221686-A-G.
Other names: c.780A>G, p.Thr260= (NM_031856.2); c.2394+53417A>G (NM_018900.4); c.1602+54209A>G (NM_031411.3); c.2388+44749A>G (NM_018905.3); c.2394+38510A>G (NM_018906.3); c.2385+32529A>G (NM_018907.4); c.2352+17974A>G (NM_018908.3); c.2394+11616A>G (NM_018909.4); and 2 more.
Identifiers: ClinVar variation 2655767 (VCV002655767.22), dbSNP rs2547518292, ClinGen allele CA446817746.

ClinVar aggregate classification (germline): Likely benign (1 of 4 stars; one submission).

Allele frequency attached by ClinVar (database versions not stated): gnomAD exomes below 0.00001.
gnomAD v4.1: 1 of 1,613,930 alleles (0.000062%); highest among the groups gnomAD compares: Non-Finnish European, 0.000085%; no homozygotes.

Submission:

CeGaT Center for Human Genetics Tuebingen
Classification: Likely benign. Last evaluated: 2022-03-01. Review status: criteria provided, single submitter. Criteria: CeGaT Center For Human Genetics Tuebingen Variant Classification Criteria Version 2. Collection method: clinical testing. Allele origin: germline. Affected: yes. Observed: 1 variant allele.
Comment: PCDHA8: PM2:Supporting, BP4, BP7